The following is an entry in ClinVar:

ClinVar aggregate classification (germline): Uncertain significance (1 of 4 stars; one submission).

Submission:

Labcorp Genetics (formerly Invitae), Labcorp
Classification: Uncertain significance. Last evaluated: 2024-03-12. Review status: criteria provided, single submitter. Criteria: Invitae Variant Classification Sherloc (09022015). Collection method: clinical testing. Allele origin: germline.
Comment: This sequence change replaces leucine, which is neutral and non-polar, with arginine, which is basic and polar, at codon 11 of the TIMP3 protein (p.Leu11Arg). This variant is not present in population databases (gnomAD no frequency). This variant has not been reported in the literature in individuals affected with TIMP3-related conditions. An algorithm developed to predict the effect of missense changes on protein structure and function (PolyPhen-2) suggests that this variant is likely to be disruptive. In summary, the available evidence is currently insufficient to determine the role of this variant in disease. Therefore, it has been classified as a Variant of Uncertain Significance.

NM_000362.5(TIMP3):c.32T>G (p.Leu11Arg)

Genes: SYN3 (synapsin III; minus strand), TIMP3 (TIMP metallopeptidase inhibitor 3; plus strand). Cytogenetic location: 22q12.3.
Variant type: single nucleotide variant.
Coding change: c.32T>G on transcript NM_000362.5 (MANE Select); coding-DNA position 32, T replaced by G.
Protein change: p.Leu11Arg; replaces leucine 11 with arginine.
Molecular consequence: missense variant. On other transcripts: intron variant (7).
Genome position (GRCh38, 1-based): chr22:32,802,033, T>G. VCF-style: chr22-32802033-T-G. GRCh37 (hg19) VCF-style: chr22-33198019-T-G.
Other names: c.708+62882A>C (NM_001369909.1, NM_001135774.2, NM_001369910.1); c.711+62882A>C (NM_001369907.1, NM_003490.4, NM_001369908.1 and 1 more transcripts); short protein forms L11R.
Identifiers: ClinVar variation 3645570 (VCV003645570.2).